The following is an entry in ClinVar:

ClinVar aggregate classification (germline): Likely benign (1 of 4 stars; one submission).

Conditions:
Familial cancer of breast. Also called: hereditary breast carcinoma; BREAST CANCER, FAMILIAL; Hereditary breast cancer. Identifiers: Orphanet 227535, MedGen C0346153, MONDO:0016419, OMIM 114480. Disease mechanism: loss of function.

Submission:

Myriad Genetics, Inc.
Classification: Likely benign for Familial cancer of breast. Last evaluated: 2024-06-07. Review status: criteria provided, single submitter. Criteria: Myriad Autosomal Dominant, Autosomal Recessive and X-Linked Classification Criteria (2023). Collection method: clinical testing. Allele origin: unknown.
Comment: This variant is considered likely benign. This variant is intronic and is not expected to impact mRNA splicing.

NM_000051.4(ATM):c.6573-18dup

Genes: C11orf65 (chromosome 11 open reading frame 65; minus strand), ATM (ATM serine/threonine kinase; plus strand). Cytogenetic location: 11q22.3.
Variant type: Duplication.
Coding change: c.6573-18dup on transcript NM_000051.4 (MANE Select); 18 bases into the intron before coding-DNA position 6573, one base duplicated (C; older notation c.6573-18dupC).
Molecular consequence: intron variant.
Genome position (GRCh38, 1-based): chr11:108,325,292, C duplicated. VCF-style (leftmost placement, unchanged base first): chr11-108325291-T-TC. GRCh37 (hg19) VCF-style: chr11-108196018-T-TC.
Other names: c.6573-18dup (NM_001351834.2); c.641-16221dup (NM_001330368.2); c.*38+9928dup (NM_001351110.2).
Identifiers: ClinVar variation 3254321 (VCV003254321.1), dbSNP rs2547198637.